The following is an entry in ClinVar:

NM_015311.3(OBSL1):c.202G>A (p.Gly68Ser)

Gene: OBSL1 (obscurin like cytoskeletal adaptor 1; minus strand). Cytogenetic location: 2q35.
Variant type: single nucleotide variant.
Coding change: c.202G>A on transcript NM_015311.3 (MANE Select); coding-DNA position 202, G replaced by A.
Protein change: p.Gly68Ser; replaces glycine 68 with serine.
Molecular consequence: missense variant.
Genome position (GRCh38, 1-based): chr2:219,571,031, C>T on the plus strand (G>A on the coding strand, the complement: OBSL1 is on the minus strand). VCF-style: chr2-219571031-C-T. GRCh37 (hg19) VCF-style: chr2-220435753-C-T.
Other names: c.202G>A, p.Gly68Ser (NM_001173408.2, NM_001173431.2); short protein forms G68S.
Identifiers: ClinVar variation 896323 (VCV000896323.11), dbSNP rs762604451, ClinGen allele CA2131817.
Genomic context (GRCh38, chr2:219,571,031, plus strand): 5'-TGCGGGCGCGGCACACGTAGACCCCCGCGTCGGTGGGCAGTGCGGCGGTCAGCAGCAGGC[C>T]GTGCTCCGCGCCGTCCGCCGGGAAGCTCAGGCGTTCCGAGGCCGCCAGCTGCTGCCCGCC-3'
Protein context (NP_056126.1, residues 58-78): LSFPADGAEH[Gly68Ser]LLLTAALPTD

ClinVar aggregate classification (germline): Uncertain significance. Review status: criteria provided, multiple submitters, no conflicts (2 of 4 stars). 3 submissions from 3 submitters: Uncertain significance (3). Last evaluated 2025-06-11.

Conditions:
Inborn genetic diseases. Identifiers: MedGen C0950123, MeSH D030342.
3M syndrome 2. Also called: 3-M Syndrome, OBSL1-Related; THREE M SYNDROME 2. Identifiers: Orphanet 2616, MedGen C2752041, MONDO:0013039, OMIM 612921.

Allele frequency attached by ClinVar (database versions not stated): gnomAD 0.00003 and 0.00004; TOPMed 0.00004; gnomAD exomes 0.00011; ExAC 0.00030.
gnomAD v4.1: 49 of 1,455,204 alleles (0.0034%); highest among the groups gnomAD compares: South Asian, 0.049%; no homozygotes.

Submissions (3):

Ambry Genetics
Classification: Uncertain significance for Inborn genetic diseases. Last evaluated: 2025-06-11. Review status: criteria provided, single submitter. Criteria: Ambry Variant Classification Scheme 2023. Collection method: clinical testing. Allele origin: germline.

Labcorp Genetics (formerly Invitae), Labcorp
Classification: Uncertain significance. Last evaluated: 2022-07-06. Review status: criteria provided, single submitter. Criteria: Invitae Variant Classification Sherloc (09022015). Collection method: clinical testing. Allele origin: germline.
Comment: This sequence change replaces glycine, which is neutral and non-polar, with serine, which is neutral and polar, at codon 68 of the OBSL1 protein (p.Gly68Ser). This variant is present in population databases (rs762604451, gnomAD 0.05%). This variant has not been reported in the literature in individuals affected with OBSL1-related conditions. ClinVar contains an entry for this variant (Variation ID: 896323). Algorithms developed to predict the effect of missense changes on protein structure and function output the following: SIFT: "Tolerated"; PolyPhen-2: "Benign"; Align-GVGD: "Class C0". The serine amino acid residue is found in multiple mammalian species, which suggests that this missense change does not adversely affect protein function. In summary, the available evidence is currently insufficient to determine the role of this variant in disease. Therefore, it has been classified as a Variant of Uncertain Significance.

Illumina Laboratory Services, Illumina
Classification: Uncertain significance for 3M syndrome 2. Last evaluated: 2018-01-12. Review status: criteria provided, single submitter. Criteria: ICSL Variant Classification Criteria 13 December 2019. Collection method: clinical testing. Allele origin: germline.